The following is an entry in ClinVar:

ClinVar aggregate classification (germline): Likely pathogenic (1 of 4 stars; one submission).

Submission:

Labcorp Genetics (formerly Invitae), Labcorp
Classification: Likely pathogenic. Last evaluated: 2022-10-13. Review status: criteria provided, single submitter. Criteria: Invitae Variant Classification Sherloc (09022015). Collection method: clinical testing. Allele origin: germline.
Comment: This sequence change affects an acceptor splice site in intron 6 of the COL2A1 gene. It is expected to disrupt RNA splicing. Variants that disrupt the donor or acceptor splice site typically lead to a loss of protein function (PMID: 16199547), and loss-of-function variants in COL2A1 are known to be pathogenic (PMID: 20179744). In summary, the currently available evidence indicates that the variant is pathogenic, but additional data are needed to prove that conclusively. Therefore, this variant has been classified as Likely Pathogenic. Algorithms developed to predict the effect of sequence changes on RNA splicing suggest that this variant may disrupt the consensus splice site. Disruption of this splice site has been observed in individual(s) with COL2A1-related conditions (PMID: 20179744). This variant is not present in population databases (gnomAD no frequency).

Literature cited by the submitters: PubMed 16199547; PubMed 20179744.

NM_001844.5(COL2A1):c.430-2A>T

Gene: COL2A1 (collagen type II alpha 1 chain; minus strand). Cytogenetic location: 12q13.11.
Variant type: single nucleotide variant.
Coding change: c.430-2A>T on transcript NM_001844.5 (MANE Select); the canonical splice acceptor site of the intron before coding-DNA position 430, A replaced by T.
Molecular consequence: splice acceptor variant.
Genome position (GRCh38, 1-based): chr12:47,997,709, T>A on the plus strand (A>T on the coding strand, the complement: COL2A1 is on the minus strand). VCF-style: chr12-47997709-T-A. GRCh37 (hg19) VCF-style: chr12-48391492-T-A.
Other names: c.223-2A>T (NM_033150.3).
Identifiers: ClinVar variation 2035318 (VCV002035318.4), dbSNP rs2540180667, ClinGen allele CA384524923.